The following is an entry in ClinVar:

ClinVar aggregate classification (germline): Likely benign (0 of 4 stars; one submission).

Conditions:
SRGAP1-related disorder. Also called: SRGAP1-related condition.

gnomAD v4.1: 72 of 1,613,458 alleles (0.0045%); highest among the groups gnomAD compares: South Asian, 0.0099%; no homozygotes.

Submission:

PreventionGenetics, part of Exact Sciences
Classification: Likely benign for SRGAP1-related condition. Last evaluated: 2019-03-28. Review status: no assertion criteria provided. Collection method: clinical testing. Allele origin: germline.
Comment: This variant is classified as likely benign based on ACMG/AMP sequence variant interpretation guidelines (Richards et al. 2015 PMID: 25741868, with internal and published modifications).

NM_020762.4(SRGAP1):c.2166C>T (p.His722=)

Gene: SRGAP1 (SLIT-ROBO Rho GTPase activating protein 1; plus strand). Cytogenetic location: 12q14.2.
Variant type: single nucleotide variant.
Coding change: c.2166C>T on transcript NM_020762.4 (MANE Select); coding-DNA position 2166, C replaced by T.
Protein change: p.His722=; no amino-acid change (histidine 722 retained).
Molecular consequence: synonymous variant.
Genome position (GRCh38, 1-based): chr12:64,115,835, C>T. VCF-style: chr12-64115835-C-T. GRCh37 (hg19) VCF-style: chr12-64509615-C-T.
Other names: c.2097C>T, p.His699= (NM_001346201.2).
Identifiers: ClinVar variation 3353046 (VCV003353046.1).